The following is an entry in ClinVar:

NM_000321.3(RB1):c.2714-11C>T

Gene: RB1 (RB transcriptional corepressor 1; plus strand). Cytogenetic location: 13q14.2.
Variant type: single nucleotide variant.
Coding change: c.2714-11C>T on transcript NM_000321.3 (MANE Select); 11 bases into the intron before coding-DNA position 2714, C replaced by T.
Molecular consequence: intron variant.
Genome position (GRCh38, 1-based): chr13:48,479,987, C>T. VCF-style: chr13-48479987-C-T. GRCh37 (hg19) VCF-style: chr13-49054123-C-T.
Identifiers: ClinVar variation 1589136 (VCV001589136.24), dbSNP rs764362157, ClinGen allele CA037177.
Genomic context (GRCh38, chr13:48,479,987, plus strand): 5'-ATATATGGCAGCCACTTGCCAACTTACCCAGTACCATCAATGCTGTTAACAGTTCTTCAT[C>T]CTTTTTCCAGCTTCTACTCGAACACGAATGCAAAAGCAGAAAATGAATGATAGCATGGAT-3'

ClinVar aggregate classification (germline): Benign/Likely benign. Review status: criteria provided, multiple submitters, no conflicts (2 of 4 stars). 6 submissions from 6 submitters: Benign (4); Likely benign (2). Last evaluated 2026-06-25.

Conditions:
Retinoblastoma (RB1). Also called: RETINOBLASTOMA, SOMATIC. Identifiers: Orphanet 790, MedGen C0035335, MeSH D012175, MONDO:0008380, OMIM 180200, HP:0009919. Disease mechanism: loss of function. Inheritance: Both sporadic and heritable forms are tested..

Allele frequency attached by ClinVar (database versions not stated): TOPMed 0.00001; gnomAD 0.00003; gnomAD exomes 0.00006 and 0.00010; ExAC 0.00012.
gnomAD v4.1: 99 of 1,610,586 alleles (0.0061%); highest among the groups gnomAD compares: South Asian, 0.099%; no homozygotes.

Submissions (6):

Myriad Genetics, Inc.
Classification: Benign for Retinoblastoma. Last evaluated: 2026-06-25. Review status: criteria provided, single submitter. Criteria: Myriad Autosomal Dominant, Autosomal Recessive and X-Linked Classification Criteria (2023). Collection method: clinical testing. Allele origin: unknown.
Comment: This variant is considered benign. This variant is intronic and is not expected to impact mRNA splicing. This variant has been observed at a population frequency that is significantly greater than expected given the associated disease prevalence and penetrance.

Labcorp Genetics (formerly Invitae), Labcorp
Classification: Benign for Retinoblastoma. Last evaluated: 2025-11-01. Review status: criteria provided, single submitter. Criteria: Invitae Variant Classification Sherloc (09022015). Collection method: clinical testing. Allele origin: germline.

Blueprint Genetics
Classification: Likely benign. Last evaluated: 2024-09-19. Review status: criteria provided, single submitter. Criteria: ACMG Guidelines, 2015. Collection method: clinical testing. Allele origin: germline.

CeGaT Center for Human Genetics Tuebingen
Classification: Likely benign. Last evaluated: 2024-09-01. Review status: criteria provided, single submitter. Criteria: CeGaT Center For Human Genetics Tuebingen Variant Classification Criteria Version 2. Collection method: clinical testing. Allele origin: germline. Affected: yes. Observed: 1 variant allele.
Comment: RB1: BS1

All of Us Research Program, National Institutes of Health
Classification: Benign for Retinoblastoma. Last evaluated: 2024-01-08. Review status: criteria provided, single submitter. Criteria: ACMG Guidelines, 2015. Collection method: clinical testing. Allele origin: germline. Inheritance: Autosomal dominant inheritance. Observed: 4 variant alleles, 4 heterozygotes.
Comment: This study involves interpretation of variants in research participants for the purpose of population health screening. Participant phenotype was not available at the time of variant classification. Additional details can be found in publication PMID: 35346344, PMCID: PMC8962531

Color Diagnostics, LLC DBA Color Health
Classification: Benign for Retinoblastoma. Last evaluated: 2022-05-12. Review status: criteria provided, single submitter. Criteria: ACMG Guidelines, 2015. Collection method: clinical testing. Allele origin: germline.